The following is an entry in ClinVar:

NM_003282.4(TNNI2):c.486G>C (p.Arg162Ser)

Gene: TNNI2 (troponin I2, fast skeletal type; plus strand). Cytogenetic location: 11p15.5.
Variant type: single nucleotide variant.
Coding change: c.486G>C on transcript NM_003282.4 (MANE Select); coding-DNA position 486, G replaced by C.
Protein change: p.Arg162Ser; replaces arginine 162 with serine.
Molecular consequence: missense variant.
Genome position (GRCh38, 1-based): chr11:1,841,488, G>C. VCF-style: chr11-1841488-G-C. GRCh37 (hg19) VCF-style: chr11-1862718-G-C.
Other names: c.486G>C, p.Arg162Ser (NM_001145829.2, NM_001145841.2); short protein forms R162S.
Identifiers: ClinVar variation 4293088 (VCV004293088.1).

ClinVar aggregate classification (germline): Likely pathogenic (1 of 4 stars; one submission).

Conditions:
Distal arthrogryposis type 2B1 (DA2B1). Also called: Arthrogryposis multiplex congenita distal type II with craniofacial abnormalities. Identifiers: Orphanet 1147, MedGen C5193014, MONDO:0020820, OMIM 601680.

Submission:

3billion
Classification: Likely pathogenic for Distal arthrogryposis type 2B1. Last evaluated: 2024-08-13. Review status: criteria provided, single submitter. Criteria: ACMG Guidelines, 2015. Collection method: clinical testing. Allele origin: germline. Affected: yes.
Comment: The variant is not observed in the gnomAD v4.0.0 dataset. Predicted Consequence/Location: Missense variant In silico tool predictions suggest damaging effect of the variant on gene or gene product [REVEL: 0.85 (>=0.6, sensitivity 0.68 and specificity 0.92); 3Cnet: 0.99 (>=0.6, sensitivity 0.72 and precision 0.9)]. The different nucleotide change resulting in the same amino acid change has been previously reported to be associated with TNNI2 related disorder(ClinVar ID: VCV003064439 /PMID: 33820833).The variant has been previously reported as assumed (i.e. paternity and maternity not confirmed) de novo in at least one similarly affected unrelated individual (PMID: 33820833). Different missense changes at the same codon (p.Arg162Gly, p.Arg162Lys) have been reported to be associated with TNNI2 related disorder (PMID: 23401156, 27790376). Therefore, this variant is classified as Likely pathogenic according to the recommendation of ACMG/AMP guideline.

Literature cited by the submitters: PubMed 23401156; PubMed 33820833.